The following is an entry in ClinVar:

ClinVar aggregate classification (germline): Uncertain significance (1 of 4 stars; one submission).

Submission:

Labcorp Genetics (formerly Invitae), Labcorp
Classification: Uncertain significance. Last evaluated: 2025-03-07. Review status: criteria provided, single submitter. Criteria: Invitae Variant Classification Sherloc (09022015). Collection method: clinical testing. Allele origin: germline.
Comment: This sequence change replaces lysine, which is basic and polar, with threonine, which is neutral and polar, at codon 53 of the NFE2L2 protein (p.Lys53Thr). This variant is not present in population databases (gnomAD no frequency). This variant has not been reported in the literature in individuals affected with NFE2L2-related conditions. An algorithm developed to predict the effect of missense changes on protein structure and function outputs the following: PolyPhen-2: "Benign". The threonine amino acid residue is found in multiple mammalian species, which suggests that this missense change does not adversely affect protein function. In summary, the available evidence is currently insufficient to determine the role of this variant in disease. Therefore, it has been classified as a Variant of Uncertain Significance.

NM_006164.5(NFE2L2):c.158A>C (p.Lys53Thr)

Gene: NFE2L2 (NFE2 like bZIP transcription factor 2; minus strand). Cytogenetic location: 2q31.2.
Variant type: single nucleotide variant.
Coding change: c.158A>C on transcript NM_006164.5 (MANE Select); coding-DNA position 158, A replaced by C.
Protein change: p.Lys53Thr; replaces lysine 53 with threonine.
Molecular consequence: missense variant. On other transcripts: 5 prime UTR variant (1), intron variant (1).
Genome position (GRCh38, 1-based): chr2:177,234,159, T>G on the plus strand (A>C on the coding strand, the complement: NFE2L2 is on the minus strand). VCF-style: chr2-177234159-T-G. GRCh37 (hg19) VCF-style: chr2-178098887-T-G.
Other names: c.110A>C, p.Lys37Thr (NM_001145412.3, NM_001145413.3, NM_001313900.1 and 1 more transcripts); c.158A>C, p.Lys53Thr (NM_001313902.2); c.-72A>C (NM_001313904.1); c.93+65A>C (NM_001313903.2); short protein forms K37T, K53T.
Identifiers: ClinVar variation 4714629 (VCV004714629.1).
Genomic context (GRCh38, chr2:177,234,159, plus strand): 5'-TGAGCGAAAAAGGCTTTCTCTTGCTCCTTTTGGAGTTGTTCTTGTCTTTCCTTTTCAAGT[T>G]TTTTCTGTTTTTCCAGCTCATACTCTTTCCGTCGCTGACTGAAGTCAAATACTTCTCGAC-3'
Protein context (NP_006155.2, residues 43-63): RKEYELEKQK[Lys53Thr]LEKERQEQLQ